The following is an entry in ClinVar:

NM_016284.5(CNOT1):c.3811C>T (p.Gln1271Ter)

Gene: CNOT1 (CCR4-NOT transcription complex subunit 1; minus strand). Cytogenetic location: 16q21.
Variant type: single nucleotide variant.
Coding change: c.3811C>T on transcript NM_016284.5 (MANE Select); coding-DNA position 3811, C replaced by T.
Protein change: p.Gln1271Ter; replaces glutamine 1271 with a stop codon.
Molecular consequence: nonsense. On other transcripts: non-coding transcript variant (1).
Genome position (GRCh38, 1-based): chr16:58,546,689, G>A on the plus strand (C>T on the coding strand, the complement: CNOT1 is on the minus strand). VCF-style: chr16-58546689-G-A. GRCh37 (hg19) VCF-style: chr16-58580593-G-A.
Other names: c.3796C>T, p.Gln1266Ter (NM_001265612.2); c.3811C>T, p.Gln1271Ter (NM_206999.3); short protein forms Q1266*, Q1271*.
Identifiers: ClinVar variation 1710395 (VCV001710395.3), dbSNP rs2543913794, ClinGen allele CA396171182.

ClinVar aggregate classification (germline): Likely pathogenic (1 of 4 stars; one submission).

Conditions:
CNOT1-related disorder. Also called: CNOT1-related condition.

Submission:

Greenwood Genetic Center Diagnostic Laboratories, Greenwood Genetic Center
Classification: Likely pathogenic for CNOT1-related disorder. Last evaluated: 2022-09-08. Review status: criteria provided, single submitter. Criteria: ACMG Guidelines, 2015. Collection method: clinical testing. Allele origin: germline. Affected: yes.
Comment: PVS1, PM2